The following is an entry in ClinVar:

ClinVar aggregate classification (germline): Uncertain significance (1 of 4 stars; one submission).

Allele frequency attached by ClinVar (database versions not stated): ExAC 0.00001; TOPMed 0.00002.

Submission:

Labcorp Genetics (formerly Invitae), Labcorp
Classification: Uncertain significance. Last evaluated: 2023-06-25. Review status: criteria provided, single submitter. Criteria: Invitae Variant Classification Sherloc (09022015). Collection method: clinical testing. Allele origin: germline.
Comment: This sequence change replaces valine, which is neutral and non-polar, with isoleucine, which is neutral and non-polar, at codon 1318 of the CNOT1 protein (p.Val1318Ile). This variant is present in population databases (rs745696155, gnomAD 0.01%). This variant has not been reported in the literature in individuals affected with CNOT1-related conditions. In summary, the available evidence is currently insufficient to determine the role of this variant in disease. Therefore, it has been classified as a Variant of Uncertain Significance. Algorithms developed to predict the effect of missense changes on protein structure and function output the following: SIFT: "Not Available"; PolyPhen-2: "Benign"; Align-GVGD: "Not Available". The isoleucine amino acid residue is found in multiple mammalian species, which suggests that this missense change does not adversely affect protein function.

NM_016284.5(CNOT1):c.3967G>A (p.Val1323Ile)

Gene: CNOT1 (CCR4-NOT transcription complex subunit 1; minus strand). Cytogenetic location: 16q21.
Variant type: single nucleotide variant.
Coding change: c.3967G>A on transcript NM_016284.5 (MANE Select); coding-DNA position 3967, G replaced by A.
Protein change: p.Val1323Ile; replaces valine 1323 with isoleucine.
Molecular consequence: missense variant. On other transcripts: non-coding transcript variant (1).
Genome position (GRCh38, 1-based): chr16:58,546,360, C>T on the plus strand (G>A on the coding strand, the complement: CNOT1 is on the minus strand). VCF-style: chr16-58546360-C-T. GRCh37 (hg19) VCF-style: chr16-58580264-C-T.
Other names: c.3952G>A, p.Val1318Ile (NM_001265612.2); c.3967G>A, p.Val1323Ile (NM_206999.3); short protein forms V1323I, V1318I.
Identifiers: ClinVar variation 2778512 (VCV002778512.3), dbSNP rs745696155, ClinGen allele CA8089292.